The following is an entry in ClinVar:

NM_002074.5(GNB1):c.284T>C (p.Leu95Pro)

Gene: GNB1 (G protein subunit beta 1; minus strand). Cytogenetic location: 1p36.33.
Variant type: single nucleotide variant.
Coding change: c.284T>C on transcript NM_002074.5 (MANE Select); coding-DNA position 284, T replaced by C.
Protein change: p.Leu95Pro; replaces leucine 95 with proline.
Molecular consequence: missense variant. On other transcripts: 5 prime UTR variant (1).
Genome position (GRCh38, 1-based): chr1:1,804,565, A>G on the plus strand (T>C on the coding strand, the complement: GNB1 is on the minus strand). VCF-style: chr1-1804565-A-G. GRCh37 (hg19) VCF-style: chr1-1736004-A-G.
Other names: c.-17T>C (NM_001282538.2); c.284T>C, p.Leu95Pro (NM_001282539.2); short protein forms L95P.
Identifiers: ClinVar variation 224716 (VCV000224716.14), dbSNP rs869312824, ClinGen allele CA353584.

ClinVar aggregate classification (germline): Pathogenic/Likely pathogenic. Review status: criteria provided, multiple submitters, no conflicts (2 of 4 stars). 6 submissions from 6 submitters: Pathogenic (2); Likely pathogenic (1). 3 of the submissions do not count toward it. Last evaluated 2022-07-11.

Conditions:
Intellectual developmental disorder, autosomal dominant 42. Also called: GNB1 Encephalopathy; Intellectual disability, autosomal dominant 42; Global developmental delay-neuro-ophthalmological abnormalities-seizures-intellectual disability syndrome. Identifiers: Orphanet 488613, MedGen C4310774, MONDO:0014855, OMIM 616973.
Nystagmus. Identifiers: MedGen C0028738, MONDO:0004843, HP:0000639.
Expressive language delay. Identifiers: MedGen C0454641, HP:0002474.
Seizure. Also called: Seizures. Identifiers: MedGen C0036572, HP:0001250.
Failure to thrive. Also called: Pediatric failure to thrive. Identifiers: MedGen C2315100, HP:0001508.
Feeding difficulties. Also called: Poor feeding. Identifiers: MedGen C0232466, HP:0011968.
Multifocal epileptiform discharges. Identifiers: MedGen C4021219, HP:0010841.
Intellectual disability. Also called: Intellectual functioning disability; Intellectual developmental disorder; intellectual disabilities. Identifiers: MedGen C3714756, MeSH D008607, MONDO:0001071, HP:0001249.
Cerebral visual impairment. Also called: Cortical visual impairment. Identifiers: Orphanet 447788, MedGen C4048268, HP:0100704, MONDO:0018649.
Hypotonia. Also called: poor muscle tone; Muscular hypotonia. Identifiers: MedGen C0026827, HP:0001252.
Global developmental delay (DD). Also called: Cognitive delay. Identifiers: MedGen C0557874, HP:0001263. Disease mechanism: loss of function.
Growth delay. Also called: Growth retardation. Identifiers: MedGen C0456070, HP:0001510.
Limb hypertonia. Identifiers: MedGen C1838391, HP:0002509.
Inability to walk. Identifiers: MedGen C0560046, HP:0002540.
Strabismus. Identifiers: MedGen C0038379, MONDO:0003432, HP:0000486.
Microcephaly. Also called: Microcephaly (disease). Identifiers: MedGen C4551563, MONDO:0001149, HP:0000252.
Neurodevelopmental Disability.

Submissions (6):

Cytogénomique, Hospices Civils de Lyon
Classification: Pathogenic for Hypotonia. Last evaluated: 2022-07-11. Review status: criteria provided, single submitter. Criteria: ACMG Guidelines, 2015. Collection method: clinical testing. Allele origin: de novo. Inheritance: Sporadic. Affected: yes. Observed: 1 variant allele, 1 heterozygote.
Comment: de novo, previously published.

Labcorp Genetics (formerly Invitae), Labcorp
Classification: Pathogenic. Last evaluated: 2021-08-12. Review status: criteria provided, single submitter. Criteria: Invitae Variant Classification Sherloc (09022015). Collection method: clinical testing. Allele origin: germline.
Comment: This sequence change replaces leucine with proline at codon 95 of the GNB1 protein (p.Leu95Pro). The leucine residue is highly conserved and there is a moderate physicochemical difference between leucine and proline. This variant is not present in population databases (ExAC no frequency). This missense change has been observed in individual(s) with GNB1-related conditions (PMID: 27108799, 30194818). In at least one individual the variant was observed to be de novo. ClinVar contains an entry for this variant (Variation ID: 224716). Algorithms developed to predict the effect of missense changes on protein structure and function are either unavailable or do not agree on the potential impact of this missense change (SIFT: "Deleterious"; PolyPhen-2: "Probably Damaging"; Align-GVGD: "Class C0"). For these reasons, this variant has been classified as Pathogenic.

Department of Pediatrics, Samsung Medical Center, Samsung Medical Center
Classification: Likely pathogenic for Microcephaly. Review status: criteria provided, single submitter. Criteria: ACMG Guidelines, 2015. Collection method: research. Allele origin: de novo. Affected: yes.

University of Washington Center for Mendelian Genomics, University of Washington
Classification: Likely pathogenic for Neurodevelopmental Disability; Hypotonia; Seizures. Last evaluated: 2016-05-05. Review status: no assertion criteria provided. Collection method: research. Allele origin: unknown. Affected: yes. Observed: 1 heterozygote. Not counted in ClinVar's aggregate classification.

Genomics And Bioinformatics Analysis Resource, Columbia University
Classification: Pathogenic for Global developmental delay; Hypotonia; Seizure; Growth delay; Multifocal epileptiform discharges; Expressive language delay; Failure to thrive; Feeding difficulties; Intellectual disability; Limb hypertonia; Strabismus; Cerebral visual impairment; Inability to walk; Nystagmus. Last evaluated: 2016-02-10. Review status: no assertion criteria provided. Collection method: research. Allele origin: de novo. Affected: yes. Observed: 1 variant allele. Not counted in ClinVar's aggregate classification.

GeneReviews
No classification provided. Condition: Intellectual developmental disorder, autosomal dominant 42. Review status: no classification provided. Collection method: literature only. Allele origin: germline. Not counted in ClinVar's aggregate classification.

Literature cited by the submitters: PubMed 27108799 (cited by 4 submitters); PubMed 30194818 (cited by Labcorp Genetics (formerly Invitae), Labcorp and GeneReviews); PubMed 31735425 (cited by GeneReviews); PubMed 32134617 (cited by GeneReviews).